The following is an entry in ClinVar:

NM_020774.4(MIB1):c.2026C>T (p.Arg676Ter)

Gene: MIB1 (MIB E3 ubiquitin protein ligase 1; plus strand). Cytogenetic location: 18q11.2.
Variant type: single nucleotide variant.
Coding change: c.2026C>T on transcript NM_020774.4 (MANE Select); coding-DNA position 2026, C replaced by T.
Protein change: p.Arg676Ter; replaces arginine 676 with a stop codon.
Molecular consequence: nonsense.
Genome position (GRCh38, 1-based): chr18:21,843,194, C>T. VCF-style: chr18-21843194-C-T. GRCh37 (hg19) VCF-style: chr18-19423155-C-T.
Other names: c.2026C>T (NM_020774.3); short protein forms R676*.
Identifiers: ClinVar variation 1175038 (VCV001175038.9), dbSNP rs200545301, ClinGen allele CA8908497.
Genomic context (GRCh38, chr18:21,843,194, plus strand): 5'-AATGCAAACCTGGATATCCAGAATGTGAACCAACAAACTGCCCTACACCTTGCTGTTGAA[C>T]GACAGCATACCCAGATTGTTAGGGTAAAGTATTGACATACATTTTAGCTTATAATTACAT-3'

ClinVar aggregate classification (germline): Uncertain significance. Review status: criteria provided, single submitter (1 of 4 stars). 4 submissions from 4 submitters: Uncertain significance (1). 3 of the submissions do not count toward it. Last evaluated 2023-08-21.

Allele frequency attached by ClinVar (database versions not stated): TOPMed 0.00006; ExAC 0.00007; gnomAD exomes 0.00007 and 0.00009; gnomAD 0.00009; ESP Exome Variant Server 0.00015; 1000 Genomes Project 30x 0.00016; 1000 Genomes Project 0.00020.
gnomAD v4.1: 109 of 1,596,462 alleles (0.0068%); highest among the groups gnomAD compares: African/African-American, 0.0094%; no homozygotes.

Submissions (4):

GeneDx
Classification: Uncertain significance. Last evaluated: 2023-08-21. Review status: criteria provided, single submitter. Criteria: GeneDx Variant Classification Process June 2021. Collection method: clinical testing. Allele origin: germline. Affected: yes.
Comment: Reported de novo within a cohort of individuals with intellectual disability (Jansen et al., 2018); no patient-specific data were provided for this variant and, therefore, it is uncertain whether this individual had a cardiac phenotype; Nonsense variant predicted to result in protein truncation or nonsense mediated decay in a gene or region of a gene for which loss of function is not a well-established mechanism of disease; This variant is associated with the following publications: (PMID: 29209020, 31345219)

Clinical Genetics DNA and cytogenetics Diagnostics Lab, Erasmus MC, Erasmus Medical Center
Classification: Uncertain significance. Review status: no assertion criteria provided. Collection method: clinical testing. Allele origin: germline. Affected: yes. Study: VKGL Data-share Consensus. Not counted in ClinVar's aggregate classification.

Diagnostic Laboratory, Department of Genetics, University Medical Center Groningen
Classification: Uncertain significance. Review status: no assertion criteria provided. Collection method: clinical testing. Allele origin: germline. Affected: yes. Study: VKGL Data-share Consensus. Not counted in ClinVar's aggregate classification.

Joint Genome Diagnostic Labs from Nijmegen and Maastricht, Radboudumc and MUMC+
Classification: Uncertain significance. Review status: no assertion criteria provided. Collection method: clinical testing. Allele origin: germline. Affected: yes. Study: VKGL Data-share Consensus. Not counted in ClinVar's aggregate classification.